The following is an entry in ClinVar:

ClinVar aggregate classification (germline): Uncertain significance. Review status: criteria provided, multiple submitters, no conflicts (2 of 4 stars). 2 submissions from 2 submitters: Uncertain significance (2). Last evaluated 2023-03-02.

Conditions:
Inborn genetic diseases. Identifiers: MedGen C0950123, MeSH D030342.

Allele frequency attached by ClinVar (database versions not stated): TOPMed 0.00001; gnomAD 0.00003.
gnomAD v4.1: 23 of 1,606,352 alleles (0.0014%); highest among the groups gnomAD compares: Non-Finnish European, 0.0017%; no homozygotes.

Submissions (2):

Ambry Genetics
Classification: Uncertain significance for Inborn genetic diseases. Last evaluated: 2023-03-02. Review status: criteria provided, single submitter. Criteria: Ambry Variant Classification Scheme 2023. Collection method: clinical testing. Allele origin: germline.

Labcorp Genetics (formerly Invitae), Labcorp
Classification: Uncertain significance. Last evaluated: 2022-12-30. Review status: criteria provided, single submitter. Criteria: Invitae Variant Classification Sherloc (09022015). Collection method: clinical testing. Allele origin: germline.
Comment: This sequence change replaces glutamic acid, which is acidic and polar, with lysine, which is basic and polar, at codon 702 of the CAMTA1 protein (p.Glu702Lys). In summary, the available evidence is currently insufficient to determine the role of this variant in disease. Therefore, it has been classified as a Variant of Uncertain Significance. Algorithms developed to predict the effect of missense changes on protein structure and function (SIFT, PolyPhen-2, Align-GVGD) all suggest that this variant is likely to be tolerated. This variant has not been reported in the literature in individuals affected with CAMTA1-related conditions. This variant is present in population databases (rs752430411, gnomAD 0.006%).

NM_015215.4(CAMTA1):c.2104G>A (p.Glu702Lys)

Gene: CAMTA1 (calmodulin binding transcription activator 1; plus strand). Cytogenetic location: 1p36.23.
Variant type: single nucleotide variant.
Coding change: c.2104G>A on transcript NM_015215.4 (MANE Select); coding-DNA position 2104, G replaced by A.
Protein change: p.Glu702Lys; replaces glutamic acid 702 with lysine.
Molecular consequence: missense variant.
Genome position (GRCh38, 1-based): chr1:7,664,651, G>A. VCF-style: chr1-7664651-G-A. GRCh37 (hg19) VCF-style: chr1-7724711-G-A.
Other names: c.2014G>A, p.Glu672Lys (NM_001349608.2, NM_001349612.2); c.2104G>A, p.Glu702Lys (NM_001349609.2, NM_001349610.2, NM_001410737.1); c.2032G>A, p.Glu678Lys (NM_001410738.1); short protein forms E672K, E702K, E678K.
Identifiers: ClinVar variation 2493446 (VCV002493446.5), dbSNP rs752430411, ClinGen allele CA566568.
Genomic context (GRCh38, chr1:7,664,651, plus strand): 5'-CAGGCCATGACGGCAGAAGGGGAGGTCACCATGGAGACCTCGCAGGCGGCGGAAGGGAGC[G>A]AGGTCCTGCTCAAGTCTGGGGAGCTGCAGGCTTGCAGCTCTGAGCACTACCTGCAGCCGG-3'
Protein context (NP_056030.1, residues 692-712): METSQAAEGS[Glu702Lys]VLLKSGELQA